The following is an entry in ClinVar:

NM_001128225.3(SLC39A13):c.609A>G (p.Ala203=)

Gene: SLC39A13 (solute carrier family 39 member 13; plus strand). Cytogenetic location: 11p11.2.
Variant type: single nucleotide variant.
Coding change: c.609A>G on transcript NM_001128225.3 (MANE Select); coding-DNA position 609, A replaced by G.
Protein change: p.Ala203=; no amino-acid change (alanine 203 retained).
Molecular consequence: synonymous variant. On other transcripts: non-coding transcript variant (1).
Genome position (GRCh38, 1-based): chr11:47,413,471, A>G. VCF-style: chr11-47413471-A-G. GRCh37 (hg19) VCF-style: chr11-47435022-A-G.
Other names: c.609A>G, p.Ala203= (NM_001330245.2, NM_152264.5).
Identifiers: ClinVar variation 1125194 (VCV001125194.10), dbSNP rs774755322, ClinGen allele CA5975840.

ClinVar aggregate classification (germline): Likely benign. Review status: criteria provided, multiple submitters, no conflicts (2 of 4 stars). 2 submissions from 2 submitters: Likely benign (2). Last evaluated 2025-10-18.

Conditions:
Ehlers-Danlos syndrome, spondylodysplastic type, 3. Also called: Ehlers-Danlos syndrome, spondylocheirodysplastic type. Identifiers: Orphanet 157965, MedGen C2676510, MONDO:0012873, OMIM 612350.

Allele frequency attached by ClinVar (database versions not stated): gnomAD 0.00001; gnomAD exomes 0.00001 and 0.00002; ExAC 0.00002; TOPMed 0.00002.
gnomAD v4.1: 18 of 1,613,948 alleles (0.0011%); highest among the groups gnomAD compares: Middle Eastern, 0.033%; no homozygotes.

Submissions (2):

Labcorp Genetics (formerly Invitae), Labcorp
Classification: Likely benign for Ehlers-Danlos syndrome, spondylodysplastic type, 3. Last evaluated: 2025-10-18. Review status: criteria provided, single submitter. Criteria: Invitae Variant Classification Sherloc (09022015). Collection method: clinical testing. Allele origin: germline.

Women's Health and Genetics/Laboratory Corporation of America, LabCorp
Classification: Likely benign. Last evaluated: 2025-06-05. Review status: criteria provided, single submitter. Criteria: LabCorp Variant Classification Summary - May 2015. Collection method: clinical testing. Allele origin: germline.
Comment: Variant summary: SLC39A13 c.609A>G results in a synonymous change. Consensus agreement among computation tools predict no significant impact on normal splicing. However, these predictions have yet to be confirmed by functional studies. The variant allele was found at a frequency of 1.6e-05 in 250468 control chromosomes. The available data on variant occurrences in the general population are insufficient to allow any conclusion about variant significance. To our knowledge, no occurrence of c.609A>G in individuals affected with Ehlers-Danlos syndrome, spondylocheirodysplastic type and no experimental evidence demonstrating its impact on protein function have been reported. ClinVar contains an entry for this variant (Variation ID: 1125194). Based on the evidence outlined above, the variant was classified as likely benign.